The following is an entry in ClinVar:

ClinVar aggregate classification (germline): Benign/Likely benign. Review status: criteria provided, multiple submitters, no conflicts (2 of 4 stars). 8 submissions from 8 submitters: Benign (2); Likely benign (6). Last evaluated 2025-11-21.

Conditions:
Isolated focal cortical dysplasia type II (FCORD2). Also called: CORTICAL DYSPLASIA OF TAYLOR; Focal cortical dysplasia type II. Identifiers: Orphanet 268994, MedGen C1846385, MONDO:0011818, OMIM 607341, HP:0032051.
Lymphangiomyomatosis (LAM). Also called: Lymphangioleiomyomatosis, somatic; Lymphangioleiomyomatosis. Identifiers: Orphanet 538, MedGen C0751674, MONDO:0011705, OMIM 606690.
Tuberous sclerosis 2 (TSC2). Identifiers: Orphanet 805, MedGen C1860707, MONDO:0013199, OMIM 613254.
Hereditary cancer-predisposing syndrome. Also called: Hereditary neoplastic syndrome; Tumor predisposition; Neoplastic Syndromes, Hereditary; Hereditary Cancer Syndrome. Identifiers: Orphanet 140162, MedGen C0027672, MeSH D009386, MONDO:0015356.
Tuberous sclerosis syndrome (TSC). Also called: Tuberous sclerosis; Tuberous Sclerosis Complex. Identifiers: Orphanet 805, MedGen C0041341, MONDO:0001734.

Allele frequency attached by ClinVar (database versions not stated): gnomAD exomes below 0.00001; gnomAD 0.00001 and 0.00002; TOPMed 0.00006.
gnomAD v4.1: 8 of 1,612,108 alleles (0.0005%); highest among the groups gnomAD compares: African/African-American, 0.0067%; no homozygotes.

Submissions (8):

Labcorp Genetics (formerly Invitae), Labcorp
Classification: Likely benign for Tuberous sclerosis 2. Last evaluated: 2025-11-21. Review status: criteria provided, single submitter. Criteria: Invitae Variant Classification Sherloc (09022015). Collection method: clinical testing. Allele origin: germline.

Myriad Genetics, Inc.
Classification: Benign for Tuberous sclerosis 2. Last evaluated: 2025-06-03. Review status: criteria provided, single submitter. Criteria: Myriad Autosomal Dominant, Autosomal Recessive and X-Linked Classification Criteria (2023). Collection method: clinical testing. Allele origin: unknown.
Comment: This variant is considered benign. This variant is a silent/synonymous amino acid change and it is not expected to impact splicing.

All of Us Research Program, National Institutes of Health
Classification: Likely benign for Tuberous sclerosis syndrome. Last evaluated: 2023-05-04. Review status: criteria provided, single submitter. Criteria: ACMG Guidelines, 2015. Collection method: clinical testing. Allele origin: germline. Inheritance: Autosomal dominant inheritance. Observed: 1 variant allele, 1 heterozygote.
Comment: This study involves interpretation of variants in research participants for the purpose of population health screening. Participant phenotype was not available at the time of variant classification. Additional details can be found in publication PMID: 35346344, PMCID: PMC8962531

Ambry Genetics
Classification: Likely benign for Hereditary cancer-predisposing syndrome. Last evaluated: 2023-01-26. Review status: criteria provided, single submitter. Criteria: Ambry Variant Classification Scheme 2023. Collection method: clinical testing. Allele origin: germline.

Sema4
Classification: Likely benign for Hereditary cancer-predisposing syndrome. Last evaluated: 2021-11-15. Review status: criteria provided, single submitter. Criteria: Sema4 Curation Guidelines. Collection method: curation. Allele origin: germline.

Genome-Nilou Lab
Classification: Benign for Tuberous sclerosis 2. Last evaluated: 2021-11-07. Review status: criteria provided, single submitter. Criteria: ACMG Guidelines, 2015. Collection method: clinical testing. Allele origin: germline. Affected: no.

Fulgent Genetics
Classification: Likely benign for Lymphangiomyomatosis; Isolated focal cortical dysplasia type II; Tuberous sclerosis 2. Last evaluated: 2021-08-04. Review status: criteria provided, single submitter. Criteria: ACMG Guidelines, 2015. Collection method: clinical testing. Allele origin: unknown.

GeneDx
Classification: Likely benign. Last evaluated: 2021-02-25. Review status: criteria provided, single submitter. Criteria: GeneDx Variant Classification Process June 2021. Collection method: clinical testing. Allele origin: germline. Affected: yes.

NM_000548.5(TSC2):c.4180C>T (p.Leu1394=)

Gene: TSC2 (TSC complex subunit 2; plus strand). Cytogenetic location: 16p13.3.
Variant type: single nucleotide variant.
Coding change: c.4180C>T on transcript NM_000548.5 (MANE Select); coding-DNA position 4180, C replaced by T.
Protein change: p.Leu1394=; no amino-acid change (leucine 1394 retained).
Molecular consequence: synonymous variant.
Genome position (GRCh38, 1-based): chr16:2,084,402, C>T. VCF-style: chr16-2084402-C-T. GRCh37 (hg19) VCF-style: chr16-2134403-C-T.
Other names: c.3979C>T, p.Leu1327= (NM_001077183.3); c.4111C>T, p.Leu1371= (NM_001114382.3); c.3871C>T, p.Leu1291= (NM_001318827.2); c.3835C>T, p.Leu1279= (NM_001318829.2); c.3448C>T, p.Leu1150= (NM_001318831.2); c.4012C>T, p.Leu1338= (NM_001318832.2); c.3982C>T, p.Leu1328= (NM_001363528.2); c.4048C>T, p.Leu1350= (NM_001370404.1); and 1 more.
Identifiers: ClinVar variation 382628 (VCV000382628.22), dbSNP rs911307922, ClinGen allele CA16607169.